The following is an entry in ClinVar:

NM_147127.5(EVC2):c.1168C>T (p.Arg390Trp)

Genes: EVC2 (EvC ciliary complex subunit 2; minus strand), LOC126806961 (BRD4-independent group 4 enhancer GRCh37_chr4:5641443-5642642; plus strand). Cytogenetic location: 4p16.2.
Variant type: single nucleotide variant.
Coding change: c.1168C>T on transcript NM_147127.5 (MANE Select); coding-DNA position 1168, C replaced by T.
Protein change: p.Arg390Trp; replaces arginine 390 with tryptophan.
Molecular consequence: missense variant.
Genome position (GRCh38, 1-based): chr4:5,640,816, G>A on the plus strand (C>T on the coding strand, the complement: EVC2 is on the minus strand). VCF-style: chr4-5640816-G-A. GRCh37 (hg19) VCF-style: chr4-5642543-G-A.
Other names: c.928C>T, p.Arg310Trp (NM_001166136.2); c.1168C>T (NM_147127.4); short protein forms R310W, R390W.
Identifiers: ClinVar variation 2037386 (VCV002037386.3), dbSNP rs199826018, ClinGen allele CA2835128.

ClinVar aggregate classification (germline): Uncertain significance. Review status: criteria provided, multiple submitters, no conflicts (2 of 4 stars). 2 submissions from 2 submitters: Uncertain significance (2). Last evaluated 2024-12-24.

Conditions:
Ellis-van Creveld syndrome (EVC). Also called: MESOECTODERMAL DYSPLASIA; EVC-Related Ellis-van Creveld Syndrome; EVC2-Related Ellis-van Creveld Syndrome; Chondroectodermal dysplasia. Identifiers: Orphanet 289, MedGen C0013903, MONDO:0009162, OMIM 225500.
Curry-Hall syndrome (WAD). Also called: WEYERS ACRODENTAL DYSOSTOSIS. Identifiers: Orphanet 952, MedGen C0457013, MONDO:0008673, OMIM 193530.

Allele frequency attached by ClinVar (database versions not stated): gnomAD 0.00005; TOPMed 0.00008; 1000 Genomes Project 30x 0.00016; 1000 Genomes Project 0.00020; ExAC 0.00005.
gnomAD v4.1: 80 of 1,614,108 alleles (0.005%); highest among the groups gnomAD compares: East Asian, 0.016%; no homozygotes.

Submissions (2):

Labcorp Genetics (formerly Invitae), Labcorp
Classification: Uncertain significance for Curry-Hall syndrome; Ellis-van Creveld syndrome. Last evaluated: 2024-12-24. Review status: criteria provided, single submitter. Criteria: Invitae Variant Classification Sherloc (09022015). Collection method: clinical testing. Allele origin: germline.
Comment: This sequence change replaces arginine, which is basic and polar, with tryptophan, which is neutral and slightly polar, at codon 390 of the EVC2 protein (p.Arg390Trp). This variant is present in population databases (rs199826018, gnomAD 0.05%). This missense change has been observed in individual(s) with EVC2-related conditions (PMID: 33057194). ClinVar contains an entry for this variant (Variation ID: 2037386). An algorithm developed to predict the effect of missense changes on protein structure and function (PolyPhen-2) suggests that this variant¬¨‚Ä†is likely to be tolerated. In summary, the available evidence is currently insufficient to determine the role of this variant in disease. Therefore, it has been classified as a Variant of Uncertain Significance.

GeneDx
Classification: Uncertain significance. Last evaluated: 2024-09-30. Review status: criteria provided, single submitter. Criteria: GeneDx Variant Classification Process June 2021. Collection method: clinical testing. Allele origin: germline. Affected: yes.
Comment: In silico analysis supports that this missense variant has a deleterious effect on protein structure/function; This variant is associated with the following publications: (PMID: 35982159, 33057194)

Literature cited by the submitters: PubMed 33057194 (cited by Labcorp Genetics (formerly Invitae), Labcorp).